The following is an entry in ClinVar:

NM_000083.3(CLCN1):c.815C>G (p.Ala272Gly)

Gene: CLCN1 (chloride voltage-gated channel 1; plus strand). Cytogenetic location: 7q34.
Variant type: single nucleotide variant.
Coding change: c.815C>G on transcript NM_000083.3 (MANE Select); coding-DNA position 815, C replaced by G.
Protein change: p.Ala272Gly; replaces alanine 272 with glycine.
Molecular consequence: missense variant. On other transcripts: non-coding transcript variant (1).
Genome position (GRCh38, 1-based): chr7:143,324,454, C>G. VCF-style: chr7-143324454-C-G. GRCh37 (hg19) VCF-style: chr7-143021547-C-G.
Other names: short protein forms A272G.
Identifiers: ClinVar variation 662053 (VCV000662053.10), dbSNP rs1563075892, ClinGen allele CA369687550.
Genomic context (GRCh38, chr7:143,324,454, plus strand): 5'-GTCTGTCTCTCCCCTAGTAGCAGCCATACTACTACTCTGATATCCTGACGGTGGGCTGTG[C>G]TGTGGGAGTCGGCTGTTGTTTTGGGACACCACTTGGAGGCAAGTGATTGACCCCCTCCCC-3'
Protein context (NP_000074.3, residues 262-282): YYSDILTVGC[Ala272Gly]VGVGCCFGTP

ClinVar aggregate classification (germline): Uncertain significance (1 of 4 stars; one submission).

Conditions:
Congenital myotonia, autosomal dominant form (THD). Also called: THOMSEN DISEASE; Myotonia congenita autosomal dominant. Identifiers: Orphanet 614, MedGen C2936781, MONDO:0008055, OMIM 160800.
Congenital myotonia, autosomal recessive form. Also called: BECKER DISEASE; Becker Generalized Myotonia; myotonia congenita, autosomal recessive. Identifiers: Orphanet 614, MedGen C0751360, MONDO:0009715, OMIM 255700.

Allele frequency attached by ClinVar (database versions not stated): gnomAD exomes below 0.00001; TOPMed below 0.00001.
gnomAD v4.1: 1 of 1,613,878 alleles (0.000062%); highest among the groups gnomAD compares: Admixed American, 0.0017%; no homozygotes.

Submission:

Labcorp Genetics (formerly Invitae), Labcorp
Classification: Uncertain significance for Congenital myotonia, autosomal recessive form; Congenital myotonia, autosomal dominant form. Last evaluated: 2025-12-14. Review status: criteria provided, single submitter. Criteria: Invitae Variant Classification Sherloc (09022015). Collection method: clinical testing. Allele origin: germline.
Comment: This sequence change replaces alanine, which is neutral and non-polar, with glycine, which is neutral and non-polar, at codon 272 of the CLCN1 protein (p.Ala272Gly). This variant is not present in population databases (gnomAD no frequency). This missense change has been observed in individual(s) with clinical features of myotonia congenita (internal data). ClinVar contains an entry for this variant (Variation ID: 662053). Invitae Evidence Modeling of protein sequence and biophysical properties (such as structural, functional, and spatial information, amino acid conservation, physicochemical variation, residue mobility, and thermodynamic stability) indicates that this missense variant is expected to disrupt CLCN1 protein function with a positive predictive value of 80%. Algorithms developed to predict the effect of sequence changes on RNA splicing suggest that this variant may disrupt the consensus splice site. In summary, the available evidence is currently insufficient to determine the role of this variant in disease. Therefore, it has been classified as a Variant of Uncertain Significance.